The following is an entry in ClinVar:

ClinVar aggregate classification (germline): Pathogenic (1 of 4 stars; one submission).

Conditions:
Cohen syndrome (COH1). Also called: PEPPER SYNDROME; Cutis verticis gyrata, retinitis pigmentosa, and sensorineural deafness. Identifiers: Orphanet 193, MedGen C0265223, MONDO:0008999, OMIM 216550.

Submission:

Clinical Genetics Laboratory, University Hospital Schleswig-Holstein
Classification: Pathogenic for Cohen syndrome. Last evaluated: 2025-02-25. Review status: criteria provided, single submitter. Criteria: ACMG Guidelines, 2015. Collection method: clinical testing. Allele origin: germline. Affected: yes. Observed: 1 homozygote.
Comment: ACMG criteria applied: PM2, PVS1

NM_152564.5(VPS13B):c.9254del (p.Thr3085fs)

Gene: VPS13B (vacuolar protein sorting 13 homolog B; plus strand). Cytogenetic location: 8q22.2.
Variant type: Deletion.
Coding change: c.9254del on transcript NM_152564.5 (MANE Select); coding-DNA position 9254, one base deleted (C; older notation c.9254delC).
Protein change: p.Thr3085fs; shifts the reading frame from threonine 3085.
Molecular consequence: frameshift variant.
Genome position (GRCh38, 1-based): chr8:99,823,902, C deleted. VCF-style (leftmost placement, unchanged base first): chr8-99823901-AC-A. GRCh37 (hg19) VCF-style: chr8-100836129-AC-A.
Other names: c.9329del, p.Thr3110fs (NM_017890.5); short protein forms T3085fs, T3110fs.
Identifiers: ClinVar variation 5042023 (VCV005042023.1).